The following is an entry in ClinVar:

ClinVar aggregate classification (germline): Uncertain significance (1 of 4 stars; one submission).

Conditions:
EP300-related disorder. Also called: EP300-related condition; EP300-related disorders.

Submission:

PreventionGenetics, part of Exact Sciences
Classification: Uncertain significance for EP300-related condition. Last evaluated: 2025-12-15. Review status: criteria provided, single submitter. Criteria: ACMG Guidelines, 2015. Collection method: clinical testing. Allele origin: germline.
Comment: The EP300 c.3589A>G variant is predicted to result in the amino acid substitution p.Arg1197Gly. To our knowledge, this variant has not been reported in the literature or in a large population database (gnomAD), indicating this variant is rare. At this time, the clinical significance of this variant is uncertain due to the absence of conclusive functional and genetic evidence.

NM_001429.4(EP300):c.3589A>G (p.Arg1197Gly)

Gene: EP300 (EP300 lysine acetyltransferase; plus strand). Cytogenetic location: 22q13.2.
Variant type: single nucleotide variant.
Coding change: c.3589A>G on transcript NM_001429.4 (MANE Select); coding-DNA position 3589, A replaced by G.
Protein change: p.Arg1197Gly; replaces arginine 1197 with glycine.
Molecular consequence: missense variant.
Genome position (GRCh38, 1-based): chr22:41,158,499, A>G. VCF-style: chr22-41158499-A-G. GRCh37 (hg19) VCF-style: chr22-41554503-A-G.
Other names: c.3511A>G, p.Arg1171Gly (NM_001362843.2); short protein forms R1171G, R1197G.
Identifiers: ClinVar variation 4991652 (VCV004991652.1).